The following is an entry in ClinVar:

ClinVar aggregate classification (germline): Pathogenic/Likely pathogenic. Review status: criteria provided, multiple submitters, no conflicts (2 of 4 stars). 4 submissions from 4 submitters: Pathogenic (1); Likely pathogenic (2). 1 of the submissions does not count toward it. Last evaluated 2023-09-01.

Conditions:
Jeune thoracic dystrophy. Also called: Short-rib thoracic dysplasia; Jeune syndrome; Infantile thoracic dystrophy; Thoracic pelvic phalangeal dystrophy; Jeune's syndrome; Chondroectodermal dysplasia-like syndrome. Identifiers: Orphanet 474, MedGen C0265275, MONDO:0018770.
Asphyxiating thoracic dystrophy 3. Also called: SHORT-RIB THORACIC DYSPLASIA 3 WITH OR WITHOUT POLYDACTYLY; POLYDACTYLY WITH NEONATAL CHONDRODYSTROPHY, TYPE I; SHORT-RIB THORACIC DYSPLASIA 3/6 WITH POLYDACTYLY, DIGENIC; Short rib polydactyly syndrome 2B; Saldino-Noonan Syndrome. Identifiers: Orphanet 474, Orphanet 93269, Orphanet 93270, Orphanet 93271, MedGen C0036069, MONDO:0013127, OMIM 613091.

Allele frequency attached by ClinVar (database versions not stated): gnomAD 0.00001; TOPMed below 0.00001; gnomAD exomes below 0.00001.

Submissions (4):

Labcorp Genetics (formerly Invitae), Labcorp
Classification: Likely pathogenic for Jeune thoracic dystrophy. Last evaluated: 2023-09-01. Review status: criteria provided, single submitter. Criteria: Invitae Variant Classification Sherloc (09022015). Collection method: clinical testing. Allele origin: germline.
Comment: This sequence change replaces methionine, which is neutral and non-polar, with leucine, which is neutral and non-polar, at codon 1991 of the DYNC2H1 protein (p.Met1991Leu). This variant is not present in population databases (gnomAD no frequency). This missense change has been observed in individuals with DYNC2H1-related conditions (PMID: 19442771, 33532864). It has also been observed to segregate with disease in related individuals. ClinVar contains an entry for this variant (Variation ID: 6500). Advanced modeling of protein sequence and biophysical properties (such as structural, functional, and spatial information, amino acid conservation, physicochemical variation, residue mobility, and thermodynamic stability) performed at Invitae indicates that this missense variant is not expected to disrupt DYNC2H1 protein function. This variant disrupts the p.Met1991 amino acid residue in DYNC2H1. Other variant(s) that disrupt this residue have been determined to be pathogenic (PMID: 23456818). This suggests that this residue is clinically significant, and that variants that disrupt this residue are likely to be disease-causing. In summary, the currently available evidence indicates that the variant is pathogenic, but additional data are needed to prove that conclusively. Therefore, this variant has been classified as Likely Pathogenic.

3billion
Classification: Likely pathogenic for Asphyxiating thoracic dystrophy 3. Last evaluated: 2022-09-01. Review status: criteria provided, single submitter. Criteria: ACMG Guidelines, 2015. Collection method: clinical testing. Allele origin: germline. Affected: yes. Observed: 1 heterozygote.
Comment: The variant is not observed in the gnomAD v2.1.1 dataset. Same nucleotide change resulting in same amino acid change has been previously reported as pathogenic/likely pathogenic with strong evidence (ClinVar ID: VCV000006500). A different missense change at the same codon (p.Met1991Lys) has been reported to be associated with DYNC2H1 -related disorder (ClinVar ID: VCV000439632 / PMID: 23456818). Therefore, this variant is classified as Likely pathogenic according to the recommendation of ACMG/AMP guideline.

Molecular Biology Laboratory, Fundació Puigvert
Classification: Pathogenic for Asphyxiating thoracic dystrophy 3. Last evaluated: 2020-02-01. Review status: criteria provided, single submitter. Criteria: ACMG Guidelines, 2015. Collection method: research. Allele origin: inherited. Affected: yes. Study: KidneyPanel_2020.

OMIM
Classification: Pathogenic for SHORT-RIB THORACIC DYSPLASIA 3 WITHOUT POLYDACTYLY. Last evaluated: 2009-05-01. Review status: no assertion criteria provided. Collection method: literature only. Allele origin: germline. Not counted in ClinVar's aggregate classification.

Literature cited by the submitters: PubMed 19442771 (cited by Labcorp Genetics (formerly Invitae), Labcorp and OMIM); PubMed 33532864 (cited by Labcorp Genetics (formerly Invitae), Labcorp and Molecular Biology Laboratory, Fundació Puigvert); PubMed 23456818 (cited by Labcorp Genetics (formerly Invitae), Labcorp and 3billion).

NM_001377.3(DYNC2H1):c.5971A>T (p.Met1991Leu)

Gene: DYNC2H1 (dynein cytoplasmic 2 heavy chain 1; plus strand). Cytogenetic location: 11q22.3.
Variant type: single nucleotide variant.
Coding change: c.5971A>T on transcript NM_001377.3 (MANE Select); coding-DNA position 5971, A replaced by T.
Protein change: p.Met1991Leu; replaces methionine 1991 with leucine.
Molecular consequence: missense variant.
Genome position (GRCh38, 1-based): chr11:103,177,652, A>T. VCF-style: chr11-103177652-A-T. GRCh37 (hg19) VCF-style: chr11-103048381-A-T.
Other names: c.5971A>T (NM_001377.2); c.5971A>T, p.Met1991Leu (NM_001080463.2); short protein forms M1991L.
Identifiers: ClinVar variation 6500 (VCV000006500.9), dbSNP rs137853025, ClinGen allele CA210494.